The following is an entry in ClinVar:

ClinVar aggregate classification (germline): Uncertain significance (1 of 4 stars; one submission).

Allele frequency attached by ClinVar (database versions not stated): TOPMed 0.00001; ExAC 0.00006.
gnomAD v4.1: 16 of 1,613,880 alleles (0.00099%); highest among the groups gnomAD compares: Non-Finnish European, 0.0014%; no homozygotes.

Submission:

Labcorp Genetics (formerly Invitae), Labcorp
Classification: Uncertain significance. Last evaluated: 2023-03-14. Review status: criteria provided, single submitter. Criteria: Invitae Variant Classification Sherloc (09022015). Collection method: clinical testing. Allele origin: germline.
Comment: This variant has not been reported in the literature in individuals affected with FLNB-related conditions. This variant is present in population databases (rs760486118, gnomAD 0.006%). This sequence change replaces leucine, which is neutral and non-polar, with methionine, which is neutral and non-polar, at codon 1954 of the FLNB protein (p.Leu1954Met). In summary, the available evidence is currently insufficient to determine the role of this variant in disease. Therefore, it has been classified as a Variant of Uncertain Significance. Advanced modeling of protein sequence and biophysical properties (such as structural, functional, and spatial information, amino acid conservation, physicochemical variation, residue mobility, and thermodynamic stability) performed at Invitae indicates that this missense variant is not expected to disrupt FLNB protein function.

NM_001457.4(FLNB):c.5860C>A (p.Leu1954Met)

Gene: FLNB (filamin B; plus strand). Cytogenetic location: 3p14.3.
Variant type: single nucleotide variant.
Coding change: c.5860C>A on transcript NM_001457.4 (MANE Select); coding-DNA position 5860, C replaced by A.
Protein change: p.Leu1954Met; replaces leucine 1954 with methionine.
Molecular consequence: missense variant.
Genome position (GRCh38, 1-based): chr3:58,148,337, C>A. VCF-style: chr3-58148337-C-A. GRCh37 (hg19) VCF-style: chr3-58134064-C-A.
Other names: c.5953C>A, p.Leu1985Met (NM_001164317.2); c.5827C>A, p.Leu1943Met (NM_001164318.2); c.5788C>A, p.Leu1930Met (NM_001164319.2); short protein forms L1943M, L1930M, L1985M, L1954M.
Identifiers: ClinVar variation 2813019 (VCV002813019.3), dbSNP rs760486118, ClinGen allele CA2469176.